The following is an entry in ClinVar:

NM_005560.6(LAMA5):c.1849G>A (p.Asp617Asn)

Gene: LAMA5 (laminin subunit alpha 5; minus strand). Cytogenetic location: 20q13.33.
Variant type: single nucleotide variant.
Coding change: c.1849G>A on transcript NM_005560.6 (MANE Select); coding-DNA position 1849, G replaced by A.
Protein change: p.Asp617Asn; replaces aspartic acid 617 with asparagine.
Molecular consequence: missense variant.
Genome position (GRCh38, 1-based): chr20:62,338,058, C>T on the plus strand (G>A on the coding strand, the complement: LAMA5 is on the minus strand). VCF-style: chr20-62338058-C-T. GRCh37 (hg19) VCF-style: chr20-60913114-C-T.
Other names: c.1849G>A (NM_005560.3); short protein forms D617N.
Identifiers: ClinVar variation 2039718 (VCV002039718.2), dbSNP rs746957076, ClinGen allele CA9943733.

ClinVar aggregate classification (germline): Uncertain significance. Review status: criteria provided, multiple submitters, no conflicts (2 of 4 stars). 2 submissions from 2 submitters: Uncertain significance (2). Last evaluated 2025-12-15.

Conditions:
Inborn genetic diseases. Identifiers: MedGen C0950123, MeSH D030342.

Allele frequency attached by ClinVar (database versions not stated): gnomAD 0.00002; ExAC 0.00004; gnomAD exomes 0.00004; TOPMed 0.00005.
gnomAD v4.1: 29 of 1,604,778 alleles (0.0018%); highest among the groups gnomAD compares: Admixed American, 0.049%; no homozygotes.

Submissions (2):

Ambry Genetics
Classification: Uncertain significance for Inborn genetic diseases. Last evaluated: 2025-12-15. Review status: criteria provided, single submitter. Criteria: Ambry Variant Classification Scheme 2023. Collection method: clinical testing. Allele origin: germline.

Labcorp Genetics (formerly Invitae), Labcorp
Classification: Uncertain significance. Last evaluated: 2022-04-22. Review status: criteria provided, single submitter. Criteria: Invitae Variant Classification Sherloc (09022015). Collection method: clinical testing. Allele origin: germline.
Comment: This sequence change replaces aspartic acid, which is acidic and polar, with asparagine, which is neutral and polar, at codon 617 of the LAMA5 protein (p.Asp617Asn). This variant is present in population databases (rs746957076, gnomAD 0.06%). This variant has not been reported in the literature in individuals affected with LAMA5-related conditions. Algorithms developed to predict the effect of missense changes on protein structure and function are either unavailable or do not agree on the potential impact of this missense change (SIFT: "Deleterious"; PolyPhen-2: "Probably Damaging"; Align-GVGD: "Class C0"). In summary, the available evidence is currently insufficient to determine the role of this variant in disease. Therefore, it has been classified as a Variant of Uncertain Significance.